The following is an entry in ClinVar:

ClinVar aggregate classification (germline): Benign. Review status: criteria provided, multiple submitters, no conflicts (2 of 4 stars). 7 submissions from 7 submitters: Benign (5). 2 of the submissions do not count toward it. Last evaluated 2024-11-27.

Allele frequency attached by ClinVar (database versions not stated): 1000 Genomes Project 0.32907; 1000 Genomes Project 30x 0.33776; ESP Exome Variant Server 0.37740; TOPMed 0.40473.
gnomAD v4.1: 625,380 of 1,534,196 alleles (41%); highest among the groups gnomAD compares: Non-Finnish European, 43%; 129,849 homozygotes.

Submissions (7):

Blueprint Genetics
Classification: Benign. Last evaluated: 2024-11-27. Review status: criteria provided, single submitter. Criteria: ACMG Guidelines, 2015. Collection method: clinical testing. Allele origin: germline.

GeneDx
Classification: Benign. Last evaluated: 2018-08-30. Review status: criteria provided, single submitter. Criteria: GeneDx Variant Classification Process June 2021. Collection method: clinical testing. Allele origin: germline. Affected: yes.

Women's Health and Genetics/Laboratory Corporation of America, LabCorp
Classification: Benign. Last evaluated: 2016-06-14. Review status: criteria provided, single submitter. Criteria: LabCorp Variant Classification Summary - May 2015. Collection method: clinical testing. Allele origin: germline.
Comment: Variant summary: The SLC34A3 c.*14A>C variant is located in the 3' UTR at a non-conserved nucleotide. The variant of interest was observed in the large, broad control population, ExAC, with an allele frequency of 7130/17986 (1/2, 1453 homozygotes), which significantly exceeds the estimated maximal expected allele frequency for a pathogenic SLC34A3 variant of 1/894. A reputable clinical laboratory cites the variant as benign. Therefore, taking all available lines of evidence into consideration, the variant of interest is classifed as Benign.

Eurofins Ntd Llc (ga)
Classification: Benign. Last evaluated: 2014-12-09. Review status: criteria provided, single submitter. Criteria: EGL Classification Definitions 2015. Collection method: clinical testing. Allele origin: germline. Observed: 2 variant alleles, 2 heterozygotes.

Breakthrough Genomics
Classification: Benign. Review status: criteria provided, single submitter. Criteria: ACMG Guidelines, 2015. Collection method: not provided. Allele origin: germline. Inheritance: Autosomal recessive inheritance. Affected: yes.

Diagnostic Laboratory, Department of Genetics, University Medical Center Groningen
Classification: Benign. Review status: no assertion criteria provided. Collection method: clinical testing. Allele origin: germline. Affected: yes. Study: VKGL Data-share Consensus. Not counted in ClinVar's aggregate classification.

Joint Genome Diagnostic Labs from Nijmegen and Maastricht, Radboudumc and MUMC+
Classification: Benign. Review status: no assertion criteria provided. Collection method: clinical testing. Allele origin: germline. Affected: yes. Study: VKGL Data-share Consensus. Not counted in ClinVar's aggregate classification.

Literature cited by the submitters: PubMed 16358215 (cited by Women's Health and Genetics/Laboratory Corporation of America, LabCorp).

NM_001177316.2(SLC34A3):c.*14A>C

Genes: SLC34A3 (solute carrier family 34 member 3; plus strand), LOC130003098 (ATAC-STARR-seq lymphoblastoid silent region 20596; plus strand). Cytogenetic location: 9q34.3.
Variant type: single nucleotide variant.
Coding change: c.*14A>C on transcript NM_001177316.2 (MANE Select); 14 bases downstream of the stop codon, A replaced by C.
Molecular consequence: 3 prime UTR variant.
Genome position (GRCh38, 1-based): chr9:137,236,430, A>C. VCF-style: chr9-137236430-A-C. GRCh37 (hg19) VCF-style: chr9-140130882-A-C.
Other names: c.*14A>C (NM_001177317.2, NM_080877.3).
Identifiers: ClinVar variation 194276 (VCV000194276.14), dbSNP rs28591989, ClinGen allele CA201083.
Genomic context (GRCh38, chr9:137,236,430, plus strand): 5'-CCTACTGCTACGAGAACCCTGAGATCTTGGCCTCCCAGCAGTTGTGACGGGCAGTTGCTG[A>C]GCAGACCGCCCCACCCTCCCCGGCTGGGAGGGCTCTGGAGGGCCCTGGAGGGGGGGTCCC-3'